The following is an entry in ClinVar:

ClinVar aggregate classification (germline): Benign/Likely benign. Review status: criteria provided, multiple submitters, no conflicts (2 of 4 stars). 3 submissions from 3 submitters: Benign (1); Likely benign (1). 1 of the submissions does not count toward it. Last evaluated 2026-02-01.

Conditions:
Familial focal epilepsy with variable foci (FPEVF). Identifiers: Orphanet 98820, MedGen C1858477, MONDO:0020310.
DEPDC5-related disorder. Also called: DEPDC5-related condition; DEPDC5-related related disorder.

Allele frequency attached by ClinVar (database versions not stated): gnomAD below 0.00001 and 0.00008; TOPMed below 0.00001; gnomAD exomes 0.00013 and 0.00034; ExAC 0.00034; 1000 Genomes Project 30x 0.00078; 1000 Genomes Project 0.00080.
gnomAD v4.1: 211 of 1,614,188 alleles (0.013%); highest among the groups gnomAD compares: South Asian, 0.21%; 4 homozygotes.

Submissions (3):

CeGaT Center for Human Genetics Tuebingen
Classification: Benign. Last evaluated: 2026-02-01. Review status: criteria provided, single submitter. Criteria: CeGaT Center For Human Genetics Tuebingen Variant Classification Criteria Version 2. Collection method: clinical testing. Allele origin: germline. Affected: yes. Observed: 1 variant allele.
Comment: DEPDC5: BS1, BS2

Labcorp Genetics (formerly Invitae), Labcorp
Classification: Likely benign for Familial focal epilepsy with variable foci. Last evaluated: 2026-01-17. Review status: criteria provided, single submitter. Criteria: Invitae Variant Classification Sherloc (09022015). Collection method: clinical testing. Allele origin: germline.

PreventionGenetics, part of Exact Sciences
Classification: Likely benign for DEPDC5-related condition. Last evaluated: 2019-09-26. Review status: no assertion criteria provided. Collection method: clinical testing. Allele origin: germline. Not counted in ClinVar's aggregate classification.
Comment: This variant is classified as likely benign based on ACMG/AMP sequence variant interpretation guidelines (Richards et al. 2015 PMID: 25741868, with internal and published modifications).

NM_001242896.3(DEPDC5):c.71T>G (p.Val24Gly)

Gene: DEPDC5 (DEP domain containing 5, GATOR1 subcomplex subunit; plus strand). Cytogenetic location: 22q12.2.
Variant type: single nucleotide variant.
Coding change: c.71T>G on transcript NM_001242896.3 (MANE Select); coding-DNA position 71, T replaced by G.
Protein change: p.Val24Gly; replaces valine 24 with glycine.
Molecular consequence: missense variant. On other transcripts: non-coding transcript variant (5).
Genome position (GRCh38, 1-based): chr22:31,758,558, T>G. VCF-style: chr22-31758558-T-G. GRCh37 (hg19) VCF-style: chr22-32154544-T-G.
Other names: c.71T>G, p.Val24Gly (NM_001007188.4, NM_001136029.4, NM_001242897.2 and 9 more transcripts); short protein forms V24G.
Identifiers: ClinVar variation 414451 (VCV000414451.18), dbSNP rs572660873, ClinGen allele CA10195811.